The following is an entry in ClinVar:

ClinVar aggregate classification (germline): Benign/Likely benign. Review status: criteria provided, multiple submitters, no conflicts (2 of 4 stars). 4 submissions from 4 submitters: Benign (1); Likely benign (3). Last evaluated 2026-02-04.

Allele frequency attached by ClinVar (database versions not stated): 1000 Genomes Project 0.00060; 1000 Genomes Project 30x 0.00062; TOPMed 0.00116; ESP Exome Variant Server 0.00146; gnomAD 0.00170 and 0.00175; gnomAD exomes 0.00182; ExAC 0.00201.
gnomAD v4.1: 3,608 of 1,613,732 alleles (0.22%); highest among the groups gnomAD compares: Non-Finnish European, 0.26%; 7 homozygotes.

Submissions (4):

Labcorp Genetics (formerly Invitae), Labcorp
Classification: Benign. Last evaluated: 2026-02-04. Review status: criteria provided, single submitter. Criteria: Invitae Variant Classification Sherloc (09022015). Collection method: clinical testing. Allele origin: germline.

Blueprint Genetics
Classification: Likely benign. Last evaluated: 2024-11-15. Review status: criteria provided, single submitter. Criteria: ACMG Guidelines, 2015. Collection method: clinical testing. Allele origin: germline.

Women's Health and Genetics/Laboratory Corporation of America, LabCorp
Classification: Likely benign. Last evaluated: 2023-12-10. Review status: criteria provided, single submitter. Criteria: LabCorp Variant Classification Summary - May 2015. Collection method: clinical testing. Allele origin: germline.

GeneDx
Classification: Likely benign. Last evaluated: 2017-09-20. Review status: criteria provided, single submitter. Criteria: GeneDx Variant Classification (06012015). Collection method: clinical testing. Allele origin: germline. Affected: yes.
Comment: This variant is considered likely benign or benign based on one or more of the following criteria: it is a conservative change, it occurs at a poorly conserved position in the protein, it is predicted to be benign by multiple in silico algorithms, and/or has population frequency not consistent with disease.

NM_020778.5(ALPK3):c.3965+11G>A

Gene: ALPK3 (alpha kinase 3; plus strand). Cytogenetic location: 15q25.3.
Variant type: single nucleotide variant.
Coding change: c.3965+11G>A on transcript NM_020778.5 (MANE Select); 11 bases into the intron after coding-DNA position 3965, G replaced by A.
Molecular consequence: intron variant.
Genome position (GRCh38, 1-based): chr15:84,859,401, G>A. VCF-style: chr15-84859401-G-A. GRCh37 (hg19) VCF-style: chr15-85402632-G-A.
Identifiers: ClinVar variation 386523 (VCV000386523.11), dbSNP rs117116043, ClinGen allele CA7709776.